The following is an entry in ClinVar:

ClinVar aggregate classification (germline): Likely pathogenic. Review status: criteria provided, multiple submitters, no conflicts (2 of 4 stars). 2 submissions from 2 submitters: Likely pathogenic (2). Last evaluated 2025-03-07.

Conditions:
Hereditary spastic paraplegia 4. Also called: Familial spastic paraplegia autosomal dominant 2; Spastic paraplegia 4, autosomal dominant; Spastic Paraplegia 4. Identifiers: Orphanet 100985, MedGen C1866855, MONDO:0008438, OMIM 182601.

Submissions (2):

Athena Diagnostics
Classification: Likely pathogenic. Last evaluated: 2025-03-07. Review status: criteria provided, single submitter. Criteria: Athena Diagnostics Criteria. Collection method: clinical testing. Allele origin: unknown.
Comment: This variant has not been reported in large, multi-ethnic general populations. This variant has been identified in at least one individual with clinical features associated with this gene. Multiple missense variants at this codon have been reported in individuals with clinical features associated with this gene. At least one of those variants is considered to be pathogenic or likely pathogenic, suggesting this variant also causes disease. Polyphen and MutationTaster predict this amino acid change may be damaging to the protein. The variant is located in a region that is considered important for protein function and/or structure.

Labcorp Genetics (formerly Invitae), Labcorp
Classification: Likely pathogenic for Hereditary spastic paraplegia 4. Last evaluated: 2021-10-04. Review status: criteria provided, single submitter. Criteria: Invitae Variant Classification Sherloc (09022015). Collection method: clinical testing. Allele origin: germline.
Comment: Advanced modeling of protein sequence and biophysical properties (such as structural, functional, and spatial information, amino acid conservation, physicochemical variation, residue mobility, and thermodynamic stability) performed at Invitae indicates that this missense variant is expected to disrupt SPAST protein function. In summary, the currently available evidence indicates that the variant is pathogenic, but additional data are needed to prove that conclusively. Therefore, this variant has been classified as Likely Pathogenic. This variant disrupts the p.Leu378 amino acid residue in SPAST. Other variant(s) that disrupt this residue have been determined to be pathogenic (PMID: 14732620, 20932283). This suggests that this residue is clinically significant, and that variants that disrupt this residue are likely to be disease-causing. This missense change has been observed in individual(s) with clinical features of SPAST-related conditions (Invitae). This variant is not present in population databases (ExAC no frequency). This sequence change replaces leucine with valine at codon 378 of the SPAST protein (p.Leu378Val). The leucine residue is highly conserved and there is a small physicochemical difference between leucine and valine.

Literature cited by the submitters: PubMed 22552817 (cited by Athena Diagnostics); PubMed 14732620 (cited by Labcorp Genetics (formerly Invitae), Labcorp); PubMed 20932283 (cited by Labcorp Genetics (formerly Invitae), Labcorp).

NM_014946.4(SPAST):c.1132C>G (p.Leu378Val)

Gene: SPAST (spastin; plus strand). Cytogenetic location: 2p22.3.
Variant type: single nucleotide variant.
Coding change: c.1132C>G on transcript NM_014946.4 (MANE Select); coding-DNA position 1132, C replaced by G.
Protein change: p.Leu378Val; replaces leucine 378 with valine.
Molecular consequence: missense variant.
Genome position (GRCh38, 1-based): chr2:32,126,981, C>G. VCF-style: chr2-32126981-C-G. GRCh37 (hg19) VCF-style: chr2-32352050-C-G.
Other names: c.1129C>G, p.Leu377Val (NM_001363823.2); c.1033C>G, p.Leu345Val (NM_001363875.2); c.1036C>G, p.Leu346Val (NM_001377959.1, NM_199436.2); c.1132C>G (NM_014946.3); short protein forms L345V, L378V, L346V, L377V.
Identifiers: ClinVar variation 1519323 (VCV001519323.7), dbSNP rs2148744957, ClinGen allele CA346501260.
Genomic context (GRCh38, chr2:32,126,981, plus strand): 5'-TTGTAAACTAAAGTATATATTTTTTAGTTGTTCACAGGGCTTAGAGCTCCTGCCAGAGGG[C>G]TGTTACTCTTTGGTCCACCTGGGAATGGGAAGACAATGCTGGTAAGGGTTCTCTTCAAAT-3'
Protein context (NP_055761.2, residues 368-388): FTGLRAPARG[Leu378Val]LLFGPPGNGK